The following is an entry in ClinVar:

ClinVar aggregate classification (germline): Conflicting classifications of pathogenicity. Review status: criteria provided, conflicting classifications (1 of 4 stars). 3 submissions from 3 submitters: Uncertain significance (1); Benign (1). 1 of the submissions does not count toward it. Last evaluated 2026-01-23.

Conditions:
KCNV2-related disorder. Also called: KCNV2-related condition.

Allele frequency attached by ClinVar (database versions not stated): gnomAD 0.00006 and 0.00025; 1000 Genomes Project 0.00200; 1000 Genomes Project 30x 0.00203.

Submissions (3):

Labcorp Genetics (formerly Invitae), Labcorp
Classification: Benign. Last evaluated: 2026-01-23. Review status: criteria provided, single submitter. Criteria: Invitae Variant Classification Sherloc (09022015). Collection method: clinical testing. Allele origin: germline.

Mendelics
Classification: Uncertain significance. Last evaluated: 2022-05-04. Review status: criteria provided, single submitter. Criteria: Mendelics Assertion Criteria 2019. Collection method: clinical testing. Allele origin: germline.

PreventionGenetics, part of Exact Sciences
Classification: Likely benign for KCNV2-related condition. Last evaluated: 2024-08-29. Review status: no assertion criteria provided. Collection method: clinical testing. Allele origin: germline. Not counted in ClinVar's aggregate classification.
Comment: This variant is classified as likely benign based on ACMG/AMP sequence variant interpretation guidelines (Richards et al. 2015 PMID: 25741868, with internal and published modifications).

NM_133497.4(KCNV2):c.647T>C (p.Ile216Thr)

Gene: KCNV2 (potassium voltage-gated channel modifier subfamily V member 2; plus strand). Cytogenetic location: 9p24.2.
Variant type: single nucleotide variant.
Coding change: c.647T>C on transcript NM_133497.4 (MANE Select); coding-DNA position 647, T replaced by C.
Protein change: p.Ile216Thr; replaces isoleucine 216 with threonine.
Molecular consequence: missense variant.
Genome position (GRCh38, 1-based): chr9:2,718,386, T>C. VCF-style: chr9-2718386-T-C. GRCh37 (hg19) VCF-style: chr9-2718386-T-C.
Other names: c.647T>C (NM_133497.3); short protein forms I216T.
Identifiers: ClinVar variation 1167900 (VCV001167900.12), dbSNP rs558295858, ClinGen allele CA4965555.